The following is an entry in ClinVar:

NM_014254.3(RXYLT1):c.882C>T (p.Asn294=)

Gene: RXYLT1 (ribitol xylosyltransferase 1; plus strand). Cytogenetic location: 12q14.2.
Variant type: single nucleotide variant.
Coding change: c.882C>T on transcript NM_014254.3 (MANE Select); coding-DNA position 882, C replaced by T.
Protein change: p.Asn294=; no amino-acid change (asparagine 294 retained).
Molecular consequence: synonymous variant.
Genome position (GRCh38, 1-based): chr12:63,805,372, C>T. VCF-style: chr12-63805372-C-T. GRCh37 (hg19) VCF-style: chr12-64199152-C-T.
Other names: c.102C>T, p.Asn34= (NM_001278237.2).
Identifiers: ClinVar variation 388779 (VCV000388779.10), dbSNP rs148182310, ClinGen allele CA6666197.

ClinVar aggregate classification (germline): Likely benign. Review status: criteria provided, multiple submitters, no conflicts (2 of 4 stars). 3 submissions from 3 submitters: Likely benign (2). 1 of the submissions does not count toward it. Last evaluated 2025-11-25.

Conditions:
RXYLT1-related disorder. Also called: RXYLT1-related condition.

Allele frequency attached by ClinVar (database versions not stated): gnomAD exomes 0.00004 and 0.00005; ExAC 0.00005; TOPMed 0.00007; gnomAD 0.00009; ESP Exome Variant Server 0.00038.
gnomAD v4.1: 87 of 1,607,294 alleles (0.0054%); highest among the groups gnomAD compares: Non-Finnish European, 0.0068%; no homozygotes.

Submissions (3):

Labcorp Genetics (formerly Invitae), Labcorp
Classification: Likely benign. Last evaluated: 2025-11-25. Review status: criteria provided, single submitter. Criteria: Invitae Variant Classification Sherloc (09022015). Collection method: clinical testing. Allele origin: germline.

GeneDx
Classification: Likely benign. Last evaluated: 2017-05-02. Review status: criteria provided, single submitter. Criteria: GeneDx Variant Classification (06012015). Collection method: clinical testing. Allele origin: germline. Affected: yes.
Comment: This variant is considered likely benign or benign based on one or more of the following criteria: it is a conservative change, it occurs at a poorly conserved position in the protein, it is predicted to be benign by multiple in silico algorithms, and/or has population frequency not consistent with disease.

PreventionGenetics, part of Exact Sciences
Classification: Likely benign for RXYLT1-related condition. Last evaluated: 2021-03-09. Review status: no assertion criteria provided. Collection method: clinical testing. Allele origin: germline. Not counted in ClinVar's aggregate classification.
Comment: This variant is classified as likely benign based on ACMG/AMP sequence variant interpretation guidelines (Richards et al. 2015 PMID: 25741868, with internal and published modifications).